The following is an entry in ClinVar:

ClinVar aggregate classification (germline): Uncertain significance (1 of 4 stars; one submission).

Conditions:
Hereditary cancer-predisposing syndrome. Also called: Hereditary Cancer Syndrome; Hereditary neoplastic syndrome; Neoplastic Syndromes, Hereditary; Tumor predisposition. Identifiers: Orphanet 140162, MedGen C0027672, MeSH D009386, MONDO:0015356.

Submission:

Ambry Genetics
Classification: Uncertain significance for Hereditary cancer-predisposing syndrome. Last evaluated: 2021-12-20. Review status: criteria provided, single submitter. Criteria: Ambry Variant Classification Scheme 2023. Collection method: clinical testing. Allele origin: germline.
Comment: The p.K48T variant (also known as c.143A>C), located in coding exon 2 of the RAD51D gene, results from an A to C substitution at nucleotide position 143. The lysine at codon 48 is replaced by threonine, an amino acid with similar properties. This amino acid position is conserved. In addition, the in silico prediction for this alteration is inconclusive. Since supporting evidence is limited at this time, the clinical significance of this alteration remains unclear.

NM_002878.4(RAD51D):c.143A>C (p.Lys48Thr)

Genes: RAD51D (RAD51 paralog D; minus strand), RAD51L3-RFFL (RAD51L3-RFFL readthrough; minus strand). Cytogenetic location: 17q12.
Variant type: single nucleotide variant.
Coding change: c.143A>C on transcript NM_002878.4 (MANE Select); coding-DNA position 143, A replaced by C.
Protein change: p.Lys48Thr; replaces lysine 48 with threonine.
Molecular consequence: missense variant. On other transcripts: non-coding transcript variant (2).
Genome position (GRCh38, 1-based): chr17:35,119,112, T>G on the plus strand (A>C on the coding strand, the complement: RAD51D is on the minus strand). VCF-style: chr17-35119112-T-G. GRCh37 (hg19) VCF-style: chr17-33446131-T-G.
Other names: c.143A>C, p.Lys48Thr (NM_001142571.2, NM_133629.3); short protein forms K48T.
Identifiers: ClinVar variation 1772668 (VCV001772668.2), dbSNP rs786202365, ClinGen allele CA399091738.